The following is an entry in ClinVar:

NM_025114.4(CEP290):c.2587-9T>C

Gene: CEP290 (centrosomal protein 290; minus strand). Cytogenetic location: 12q21.32.
Variant type: single nucleotide variant.
Coding change: c.2587-9T>C on transcript NM_025114.4 (MANE Select); 9 bases into the intron before coding-DNA position 2587, T replaced by C.
Molecular consequence: intron variant.
Genome position (GRCh38, 1-based): chr12:88,106,914, A>G on the plus strand (T>C on the coding strand, the complement: CEP290 is on the minus strand). VCF-style: chr12-88106914-A-G. GRCh37 (hg19) VCF-style: chr12-88500691-A-G.
Identifiers: ClinVar variation 706278 (VCV000706278.13), dbSNP rs766982108, ClinGen allele CA6712302.

ClinVar aggregate classification (germline): Likely benign. Review status: criteria provided, multiple submitters, no conflicts (2 of 4 stars). 4 submissions from 4 submitters: Likely benign (2). 2 of the submissions do not count toward it. Last evaluated 2025-10-30.

Conditions:
Joubert syndrome. Also called: JOUBERT-BOLTSHAUSER SYNDROME; Familial aplasia of the vermis. Identifiers: Orphanet 475, MedGen C5979921, MONDO:0018772.
Nephronophthisis. Also called: Juvenile Nephronophthisis. Identifiers: Orphanet 655, MedGen C0687120, MONDO:0019005, HP:0000090.
Meckel-Gruber syndrome. Also called: DYSENCEPHALIA SPLANCHNOCYSTICA; GRUBER SYNDROME; Dysencephalia splachnocystica. Identifiers: Orphanet 564, MedGen C0265215, MONDO:0018921.
CEP290-related disorder. Also called: CEP290-related disorders; CEP290-related condition. Identifiers: MedGen CN239314.
Leber congenital amaurosis (LCA). Also called: Leber's amaurosis. Identifiers: Orphanet 65, MedGen C0339527, MeSH D057130, MONDO:0018998.

Allele frequency attached by ClinVar (database versions not stated): gnomAD 0.00001; TOPMed 0.00001; gnomAD exomes 0.00002 and 0.00003; ExAC 0.00001.
gnomAD v4.1: 10 of 1,591,812 alleles (0.00063%); highest among the groups gnomAD compares: Admixed American, 0.017%; no homozygotes.

Submissions (4):

Labcorp Genetics (formerly Invitae), Labcorp
Classification: Likely benign for Joubert syndrome; Meckel-Gruber syndrome; Nephronophthisis. Last evaluated: 2025-10-30. Review status: criteria provided, single submitter. Criteria: Invitae Variant Classification Sherloc (09022015). Collection method: clinical testing. Allele origin: germline.

Blueprint Genetics
Classification: Likely benign. Last evaluated: 2022-09-22. Review status: criteria provided, single submitter. Criteria: ACMG Guidelines, 2015. Collection method: clinical testing. Allele origin: germline.

PreventionGenetics, part of Exact Sciences
Classification: Likely benign for CEP290-related condition. Last evaluated: 2020-03-27. Review status: no assertion criteria provided. Collection method: clinical testing. Allele origin: germline. Not counted in ClinVar's aggregate classification.
Comment: This variant is classified as likely benign based on ACMG/AMP sequence variant interpretation guidelines (Richards et al. 2015 PMID: 25741868, with internal and published modifications).

Natera, Inc.
Classification: Uncertain significance for Leber congenital amaurosis. Last evaluated: 2020-01-24. Review status: no assertion criteria provided. Collection method: clinical testing. Allele origin: germline. Not counted in ClinVar's aggregate classification.